The following is an entry in ClinVar:

NM_004172.5(SLC1A3):c.1449C>T (p.Asn483=)

Genes: SLC1A3 (solute carrier family 1 member 3; plus strand), SLC1A3-AS1 (SLC1A3 antisense RNA 1; minus strand). Cytogenetic location: 5p13.2.
Variant type: single nucleotide variant.
Coding change: c.1449C>T on transcript NM_004172.5 (MANE Select); coding-DNA position 1449, C replaced by T.
Protein change: p.Asn483=; no amino-acid change (asparagine 483 retained).
Molecular consequence: synonymous variant.
Genome position (GRCh38, 1-based): chr5:36,686,089, C>T. VCF-style: chr5-36686089-C-T. GRCh37 (hg19) VCF-style: chr5-36686191-C-T.
Other names: c.1449C>T (NM_004172.4); c.1314C>T, p.Asn438= (NM_001166695.3); c.1311C>T, p.Asn437= (NM_001289939.2); c.1113C>T, p.Asn371= (NM_001289940.2).
Identifiers: ClinVar variation 2182399 (VCV002182399.6), dbSNP rs758716513, ClinGen allele CA3235691.

ClinVar aggregate classification (germline): Benign. Review status: criteria provided, single submitter (1 of 4 stars). 2 submissions from 2 submitters: Benign (1). 1 of the submissions does not count toward it. Last evaluated 2025-03-02.

Conditions:
SLC1A3-related disorder. Also called: SLC1A3-related condition.

Allele frequency attached by ClinVar (database versions not stated): gnomAD exomes 0.00008; ExAC 0.00012; TOPMed 0.00012; gnomAD 0.00013.
gnomAD v4.1: 136 of 1,614,032 alleles (0.0084%); highest among the groups gnomAD compares: Admixed American, 0.11%; 1 homozygote.

Submissions (2):

Labcorp Genetics (formerly Invitae), Labcorp
Classification: Benign. Last evaluated: 2025-03-02. Review status: criteria provided, single submitter. Criteria: Invitae Variant Classification Sherloc (09022015). Collection method: clinical testing. Allele origin: germline.

PreventionGenetics, part of Exact Sciences
Classification: Likely benign for SLC1A3-related condition. Last evaluated: 2019-05-28. Review status: no assertion criteria provided. Collection method: clinical testing. Allele origin: germline. Not counted in ClinVar's aggregate classification.
Comment: This variant is classified as likely benign based on ACMG/AMP sequence variant interpretation guidelines (Richards et al. 2015 PMID: 25741868, with internal and published modifications).